The following is an entry in ClinVar:

ClinVar aggregate classification (germline): Uncertain significance. Review status: criteria provided, multiple submitters, no conflicts (2 of 4 stars). 3 submissions from 3 submitters: Uncertain significance (3). Last evaluated 2023-11-21.

Conditions:
Inborn genetic diseases. Identifiers: MedGen C0950123, MeSH D030342.

Allele frequency attached by ClinVar (database versions not stated): gnomAD exomes 0.00006; ExAC 0.00014.
gnomAD v4.1: 155 of 1,549,778 alleles (0.01%); highest among the groups gnomAD compares: Non-Finnish European, 0.013%; no homozygotes.

Submissions (3):

Blueprint Genetics
Classification: Uncertain significance. Last evaluated: 2023-11-21. Review status: criteria provided, single submitter. Criteria: ACMG Guidelines, 2015. Collection method: clinical testing. Allele origin: germline.

Labcorp Genetics (formerly Invitae), Labcorp
Classification: Uncertain significance. Last evaluated: 2022-09-27. Review status: criteria provided, single submitter. Criteria: Invitae Variant Classification Sherloc (09022015). Collection method: clinical testing. Allele origin: germline.
Comment: This sequence change replaces glutamine, which is neutral and polar, with histidine, which is basic and polar, at codon 679 of the CPLANE1 protein (p.Gln679His). This variant is present in population databases (rs781366484, gnomAD 0.02%). This variant has not been reported in the literature in individuals affected with CPLANE1-related conditions. ClinVar contains an entry for this variant (Variation ID: 1493250). Advanced modeling of protein sequence and biophysical properties (such as structural, functional, and spatial information, amino acid conservation, physicochemical variation, residue mobility, and thermodynamic stability) performed at Invitae indicates that this missense variant is not expected to disrupt CPLANE1 protein function. In summary, the available evidence is currently insufficient to determine the role of this variant in disease. Therefore, it has been classified as a Variant of Uncertain Significance.

Ambry Genetics
Classification: Uncertain significance for Inborn genetic diseases. Last evaluated: 2021-07-13. Review status: criteria provided, single submitter. Criteria: Ambry Variant Classification Scheme 2023. Collection method: clinical testing. Allele origin: germline.

NM_001384732.1(CPLANE1):c.2037G>T (p.Gln679His)

Gene: CPLANE1 (ciliogenesis and planar polarity effector complex subunit 1; minus strand). Cytogenetic location: 5p13.2.
Variant type: single nucleotide variant.
Coding change: c.2037G>T on transcript NM_001384732.1 (MANE Select); coding-DNA position 2037, G replaced by T.
Protein change: p.Gln679His; replaces glutamine 679 with histidine.
Molecular consequence: missense variant.
Genome position (GRCh38, 1-based): chr5:37,226,558, C>A on the plus strand (G>T on the coding strand, the complement: CPLANE1 is on the minus strand). VCF-style: chr5-37226558-C-A. GRCh37 (hg19) VCF-style: chr5-37226660-C-A.
Other names: c.2037G>T, p.Gln679His (NM_023073.4); c.2037G>T (NM_023073.3); short protein forms Q679H.
Identifiers: ClinVar variation 1493250 (VCV001493250.5), dbSNP rs781366484, ClinGen allele CA3239062.
Genomic context (GRCh38, chr5:37,226,558, plus strand): 5'-TAAATTGTCAGCTACCATTTTGAGTAAATAAAAACAAGCTAAAAGTTTCTCTGAGAATAA[C>A]TGACCCTTTTGTTGCTGAGTCAGCAAAAGTTTTACAGTATTTGAGGTCAGCTTTATCAAA-3'
Protein context (NP_001371661.1, residues 669-689): KLLLTQQQKG[Gln679His]LFSEKLLACF